The following is an entry in ClinVar:

NM_000451.4(SHOX):c.502C>T (p.Arg168Trp)

Gene: SHOX (SHOX homeobox; plus strand). Cytogenetic location: Yp11.2.
Variant type: single nucleotide variant.
Coding change: c.502C>T on transcript NM_000451.4 (MANE Select); coding-DNA position 502, C replaced by T.
Protein change: p.Arg168Trp; replaces arginine 168 with tryptophan.
Molecular consequence: missense variant.
Genome position (GRCh38, 1-based): chrX:640,836, C>T. VCF-style: chrX-640836-C-T. GRCh37 (hg19) VCF-style: chrX-601571-C-T.
Other names: c.502C>T (NM_000451.3); c.502C>T, p.Arg168Trp (NM_006883.2); short protein forms R168W.
Identifiers: ClinVar variation 9879 (VCV000009879.6), dbSNP rs137852557, ClinGen allele CA212923.

ClinVar aggregate classification (germline): Pathogenic/Likely pathogenic. Review status: criteria provided, multiple submitters, no conflicts (2 of 4 stars). 5 submissions from 4 submitters: Pathogenic (2); Likely pathogenic (1). 2 of the submissions do not count toward it. Last evaluated 2025-04-29.

Conditions:
SHOX-related disorder. Also called: SHOX-related condition.
Leri-Weill dyschondrosteosis (LWD). Also called: DYSCHONDROSTEOSIS; Leri-Weill Dyschondrosteosis (LWD); Léri-Weill dyschondrosteosis. Identifiers: Orphanet 240, MedGen C0265309, MONDO:0007481, OMIM 127300.
Langer mesomelic dysplasia syndrome (LMD). Also called: DYSCHONDROSTEOSIS, HOMOZYGOUS; Langer mesomelic dysplasia. Identifiers: Orphanet 2632, MedGen C0432230, MONDO:0009588, OMIM 249700.

Allele frequency attached by ClinVar (database versions not stated): gnomAD exomes below 0.00001 and 0.00001.
gnomAD v4.1: 7 of 1,613,848 alleles (0.00043%); highest among the groups gnomAD compares: South Asian, 0.0011%; no homozygotes.

Submissions (5):

Women's Health and Genetics/Laboratory Corporation of America, LabCorp
Classification: Pathogenic for Leri-Weill dyschondrosteosis. Last evaluated: 2025-04-29. Review status: criteria provided, single submitter. Criteria: LabCorp Variant Classification Summary - May 2015. Collection method: clinical testing. Allele origin: germline.
Comment: Variant summary: SHOX c.502C>T (p.Arg168Trp) results in a non-conservative amino acid change in the encoded protein sequence. Four of five in-silico tools predict a damaging effect of the variant on protein function. The variant allele was found at a frequency of 4e-06 in 251180 control chromosomes. c.502C>T has been observed in multiple individuals affected with SHOX-related disorders, including heterozygous female individuals with Leri-Weill Dyschondrosteosis or short stature and in at least one male with Langer Mesomelic Dysplasia who had a pseudoautosomal microdeletion involving SHOX on the other allele, and it has been found to segregate with these phenotypes within related individuals (e.g. Ogata_2002, Binder_2004). These data indicate that the variant is very likely to be associated with disease. The following publications have been ascertained in the context of this evaluation (PMID: 15356038, 11889214). ClinVar contains an entry for this variant (Variation ID: 9879). Based on the evidence outlined above, the variant was classified as pathogenic for Leri-Weill Dyschondrosteosis, short stature, and Langer Mesomelic Dysplasia.

GeneDx
Classification: Likely pathogenic. Last evaluated: 2024-10-23. Review status: criteria provided, single submitter. Criteria: GeneDx Variant Classification Process June 2021. Collection method: clinical testing. Allele origin: germline.
Comment: Identified in individuals with SHOX-related disorders in the published literature (PMID: 23636926, 15356038, 15931687, 11889214); Published functional studies suggest that this variant leads to a loss of DNA binding and reduced ability for homodimer formation (PMID: 15931687); In silico analysis supports that this missense variant has a deleterious effect on protein structure/function; Not observed at significant frequency in large population cohorts (gnomAD); This variant is associated with the following publications: (PMID: 23636926, 15931687, 15356038, 32932528, 21262861, 11889214)

Blueprint Genetics
Classification: Pathogenic for SHOX-related disorders. Last evaluated: 2024-06-19. Review status: criteria provided, single submitter. Criteria: ACMG Guidelines, 2015. Collection method: clinical testing. Allele origin: germline. Affected: yes. Observed: 3 variant alleles.

OMIM
Classification: Pathogenic for LANGER MESOMELIC DYSPLASIA. Last evaluated: 2002-03-01. Review status: no assertion criteria provided. Collection method: literature only. Allele origin: germline. Not counted in ClinVar's aggregate classification.

OMIM
Classification: Pathogenic for LERI-WEILL DYSCHONDROSTEOSIS. Last evaluated: 2002-03-01. Review status: no assertion criteria provided. Collection method: literature only. Allele origin: germline. Not counted in ClinVar's aggregate classification.

Literature cited by the submitters: PubMed 15356038 (cited by Women's Health and Genetics/Laboratory Corporation of America, LabCorp); PubMed 11889214 (cited by Women's Health and Genetics/Laboratory Corporation of America, LabCorp and OMIM).